The following is an entry in ClinVar:

ClinVar aggregate classification (germline): Uncertain significance (1 of 4 stars; one submission).

Submission:

Women's Health and Genetics/Laboratory Corporation of America, LabCorp
Classification: Uncertain significance. Last evaluated: 2025-03-31. Review status: criteria provided, single submitter. Criteria: LabCorp Variant Classification Summary - May 2015. Collection method: clinical testing. Allele origin: germline.
Comment: Variant summary: ACADM c.769G>A (p.Val257Met) results in a conservative amino acid change in the encoded protein sequence. Four of five in-silico tools predict a damaging effect of the variant on protein function. The variant was absent in 251394 control chromosomes (gnomAD). The available data on variant occurrences in the general population are insufficient to allow any conclusion about variant significance. c.769G>A has been reported in the literature in an individual affected with Medium Chain Acyl-CoA Dehydrogenase Deficiency (Guo_2023). These data do not allow any conclusion about variant significance. To our knowledge, no experimental evidence demonstrating an impact on protein function has been reported. The following publication has been ascertained in the context of this evaluation (PMID: 37308883). No submitters have cited clinical-significance assessments for this variant to ClinVar. Based on the evidence outlined above, the variant was classified as uncertain significance.

Literature cited by the submitters: PubMed 37308883.

NM_000016.6(ACADM):c.769G>A (p.Val257Met)

Gene: ACADM (acyl-CoA dehydrogenase medium chain; plus strand). Cytogenetic location: 1p31.1.
Variant type: single nucleotide variant.
Coding change: c.769G>A on transcript NM_000016.6 (MANE Select); coding-DNA position 769, G replaced by A.
Protein change: p.Val257Met; replaces valine 257 with methionine.
Molecular consequence: missense variant.
Genome position (GRCh38, 1-based): chr1:75,749,479, G>A. VCF-style: chr1-75749479-G-A. GRCh37 (hg19) VCF-style: chr1-76215164-G-A.
Other names: c.781G>A, p.Val261Met (NM_001127328.3); c.661G>A, p.Val221Met (NM_001286042.2); c.868G>A, p.Val290Met (NM_001286043.2); c.202G>A, p.Val68Met (NM_001286044.2); short protein forms V221M, V257M, V261M, V290M, V68M.
Identifiers: ClinVar variation 3896007 (VCV003896007.1).